The following is an entry in ClinVar:

NM_001267550.2(TTN):c.70224T>A (p.Tyr23408Ter)

Genes: TTN (titin; minus strand), TTN-AS1 (TTN antisense RNA 1; plus strand), LOC126806422 (BRD4-independent group 4 enhancer GRCh37_chr2:179440205-179441404; plus strand). Cytogenetic location: 2q31.2.
Variant type: single nucleotide variant.
Coding change: c.70224T>A on transcript NM_001267550.2 (MANE Select); coding-DNA position 70224, T replaced by A.
Protein change: p.Tyr23408Ter; replaces tyrosine 23408 with a stop codon.
Molecular consequence: nonsense.
Genome position (GRCh38, 1-based): chr2:178,575,908, A>T on the plus strand (T>A on the coding strand, the complement: TTN is on the minus strand). VCF-style: chr2-178575908-A-T. GRCh37 (hg19) VCF-style: chr2-179440635-A-T.
Other names: c.65301T>A, p.Tyr21767Ter (NM_001256850.1); c.43029T>A, p.Tyr14343Ter (NM_003319.4); c.62520T>A, p.Tyr20840Ter (NM_133378.4); c.43404T>A, p.Tyr14468Ter (NM_133432.3); c.43605T>A, p.Tyr14535Ter (NM_133437.4); short protein forms Y14468*, Y20840*, Y14343*, Y21767*, Y14535*, Y23408*.
Identifiers: ClinVar variation 1496541 (VCV001496541.8), dbSNP rs908321623, ClinGen allele CA349664054.

ClinVar aggregate classification (germline): Likely pathogenic (1 of 4 stars; one submission).

Conditions:
Dilated cardiomyopathy 1G (CMD1G). Identifiers: Orphanet 154, MedGen C1858763, MONDO:0011400, OMIM 604145.
Autosomal recessive limb-girdle muscular dystrophy type 2J (LGMDR10). Also called: Limb-girdle muscular dystrophy, type 2J; MUSCULAR DYSTROPHY, LIMB-GIRDLE, AUTOSOMAL RECESSIVE 10. Identifiers: Orphanet 140922, MedGen C1837342, MONDO:0012127, OMIM 608807.

Submission:

Labcorp Genetics (formerly Invitae), Labcorp
Classification: Likely pathogenic for Dilated cardiomyopathy 1G; Autosomal recessive limb-girdle muscular dystrophy type 2J. Last evaluated: 2021-03-22. Review status: criteria provided, single submitter. Criteria: Invitae Variant Classification Sherloc (09022015). Collection method: clinical testing. Allele origin: germline.
Comment: In summary, the currently available evidence indicates that the variant is pathogenic, but additional data are needed to prove that conclusively. Therefore, this variant has been classified as Likely Pathogenic. This variant is located in the A band of TTN (PMID: 25589632). Truncating variants in this region are significantly overrepresented in patients affected with dilated cardiomyopathy (PMID: 25589632). Truncating variants in this region have also been reported in individuals affected with autosomal recessive centronuclear myopathy (PMID: 23975875). This variant has not been reported in the literature in individuals with TTN-related conditions. This variant is not present in population databases (ExAC no frequency). This sequence change creates a premature translational stop signal (p.Tyr23408*) in the TTN gene. While this is not anticipated to result in nonsense mediated decay, it is expected to create a truncated TTN protein.

Literature cited by the submitters: PubMed 25589632; PubMed 23975875.